The following is an entry in ClinVar:

ClinVar aggregate classification (germline): Likely benign. Review status: criteria provided, multiple submitters, no conflicts (2 of 4 stars). 4 submissions from 4 submitters: Likely benign (4). Last evaluated 2026-01-20.

Allele frequency attached by ClinVar (database versions not stated): ESP Exome Variant Server 0.00008; gnomAD exomes 0.00014 and 0.00016; ExAC 0.00015; gnomAD 0.00015 and 0.00017; 1000 Genomes Project 30x 0.00016; 1000 Genomes Project 0.00020; TOPMed 0.00023.
gnomAD v4.1: 235 of 1,614,176 alleles (0.015%); highest among the groups gnomAD compares: Middle Eastern, 0.43%; no homozygotes.

Submissions (4):

Labcorp Genetics (formerly Invitae), Labcorp
Classification: Likely benign. Last evaluated: 2026-01-20. Review status: criteria provided, single submitter. Criteria: Invitae Variant Classification Sherloc (09022015). Collection method: clinical testing. Allele origin: germline.

CeGaT Center for Human Genetics Tuebingen
Classification: Likely benign. Last evaluated: 2025-01-01. Review status: criteria provided, single submitter. Criteria: CeGaT Center For Human Genetics Tuebingen Variant Classification Criteria Version 2. Collection method: clinical testing. Allele origin: germline. Affected: yes. Observed: 1 variant allele.
Comment: IDH3B: BP4, BP7

Blueprint Genetics
Classification: Likely benign. Last evaluated: 2024-11-14. Review status: criteria provided, single submitter. Criteria: ACMG Guidelines, 2015. Collection method: clinical testing. Allele origin: germline.

Breakthrough Genomics
Classification: Likely benign. Review status: criteria provided, single submitter. Criteria: ACMG Guidelines, 2015. Collection method: not provided. Allele origin: germline. Inheritance: Autosomal recessive inheritance. Affected: yes.

NM_006899.5(IDH3B):c.165G>A (p.Pro55=)

Gene: IDH3B (isocitrate dehydrogenase (NAD(+)) 3 non-catalytic subunit beta; minus strand). Cytogenetic location: 20p13.
Variant type: single nucleotide variant.
Coding change: c.165G>A on transcript NM_006899.5 (MANE Select); coding-DNA position 165, G replaced by A.
Protein change: p.Pro55=; no amino-acid change (proline 55 retained).
Molecular consequence: synonymous variant. On other transcripts: non-coding transcript variant (1).
Genome position (GRCh38, 1-based): chr20:2,663,711, C>T on the plus strand (G>A on the coding strand, the complement: IDH3B is on the minus strand). VCF-style: chr20-2663711-C-T. GRCh37 (hg19) VCF-style: chr20-2644357-C-T.
Other names: c.165G>A, p.Pro55= (NM_001258384.3, NM_001330763.2, NM_174855.4).
Identifiers: ClinVar variation 727014 (VCV000727014.26), dbSNP rs375803338, ClinGen allele CA9735370.